The following is an entry in ClinVar:

ClinVar aggregate classification (germline): Uncertain significance (1 of 4 stars; one submission).

Conditions:
Hereditary spastic paraplegia 4. Also called: Spastic paraplegia 4, autosomal dominant; Familial spastic paraplegia autosomal dominant 2; Spastic Paraplegia 4. Identifiers: Orphanet 100985, MedGen C1866855, MONDO:0008438, OMIM 182601.

gnomAD v4.1: 1 of 1,582,120 alleles (0.000063%); highest among the groups gnomAD compares: Middle Eastern, 0.017%; no homozygotes.

Submission:

Labcorp Genetics (formerly Invitae), Labcorp
Classification: Uncertain significance for Hereditary spastic paraplegia 4. Last evaluated: 2024-08-12. Review status: criteria provided, single submitter. Criteria: Invitae Variant Classification Sherloc (09022015). Collection method: clinical testing. Allele origin: germline.
Comment: This sequence change falls in intron 7 of the SPAST gene. It does not directly change the encoded amino acid sequence of the SPAST protein. It affects a nucleotide within the consensus splice site. This variant is not present in population databases (gnomAD no frequency). This variant has not been reported in the literature in individuals affected with SPAST-related conditions. Variants that disrupt the consensus splice site are a relatively common cause of aberrant splicing (PMID: 17576681, 9536098). Algorithms developed to predict the effect of sequence changes on RNA splicing suggest that this variant is not likely to affect RNA splicing. In summary, the available evidence is currently insufficient to determine the role of this variant in disease. Therefore, it has been classified as a Variant of Uncertain Significance.

Literature cited by the submitters: PubMed 17576681; PubMed 9536098.

NM_014946.4(SPAST):c.1098+6A>C

Gene: SPAST (spastin; plus strand). Cytogenetic location: 2p22.3.
Variant type: single nucleotide variant.
Coding change: c.1098+6A>C on transcript NM_014946.4 (MANE Select); 6 bases into the intron after coding-DNA position 1098, A replaced by C.
Molecular consequence: intron variant.
Genome position (GRCh38, 1-based): chr2:32,116,218, A>C. VCF-style: chr2-32116218-A-C. GRCh37 (hg19) VCF-style: chr2-32341287-A-C.
Other names: c.1002+6A>C (NM_199436.2, NM_001377959.1); c.1095+6A>C (NM_001363823.2); c.999+6A>C (NM_001363875.2).
Identifiers: ClinVar variation 3696562 (VCV003696562.2).